The following is an entry in ClinVar:

NM_000807.4(GABRA2):c.1060-5599C>T

Gene: GABRA2 (gamma-aminobutyric acid type A receptor subunit alpha2; minus strand). Cytogenetic location: 4p12.
Variant type: single nucleotide variant.
Coding change: c.1060-5599C>T on transcript NM_000807.4 (MANE Select); 5599 bases into the intron before coding-DNA position 1060, C replaced by T.
Molecular consequence: intron variant. On other transcripts: nonsense (4).
Genome position (GRCh38, 1-based): chr4:46,256,203, G>A on the plus strand (C>T on the coding strand, the complement: GABRA2 is on the minus strand). VCF-style: chr4-46256203-G-A. GRCh37 (hg19) VCF-style: chr4-46258220-G-A.
Other names: c.1066C>T, p.Gln356Ter (NM_001286827.3); c.1231C>T, p.Gln411Ter (NM_001330690.2, NM_001377144.1, NM_001377145.1); c.895-5599C>T (NM_001377154.1, NM_001377152.1, NM_001377153.1); c.1060-5599C>T (NM_001377146.1, NM_001377150.1, NM_001377147.1 and 4 more transcripts); short protein forms Q411*, Q356*.
Identifiers: ClinVar variation 2039011 (VCV002039011.4), dbSNP rs1458795322, ClinGen allele CA356803201.
Genomic context (GRCh38, chr4:46,256,203, plus strand): 5'-TGCTATTGTTAACTGTCTACTAATCATCCTGACTGAGAAAAGTGATACTTACAGAAGATT[G>A]TTTGAAGGTTAAACAGTCCATCCACTTCTCTAAGTACTCTAAAGTCTTTTCTTGGAATAA-3'

ClinVar aggregate classification (germline): Uncertain significance (1 of 4 stars; one submission).

gnomAD v4.1: 1 of 665,620 alleles (0.00015%); highest among the groups gnomAD compares: East Asian, 0.0028%; no homozygotes.

Submission:

Labcorp Genetics (formerly Invitae), Labcorp
Classification: Uncertain significance. Last evaluated: 2022-05-21. Review status: criteria provided, single submitter. Criteria: Invitae Variant Classification Sherloc (09022015). Collection method: clinical testing. Allele origin: germline.
Comment: In summary, the available evidence is currently insufficient to determine the role of this variant in disease. Therefore, it has been classified as a Variant of Uncertain Significance. Algorithms developed to predict the effect of sequence changes on RNA splicing suggest that this variant may disrupt the consensus splice site. This variant has not been reported in the literature in individuals affected with GABRA2-related conditions. The frequency data for this variant in the population databases is considered unreliable, as metrics indicate poor data quality at this position in the gnomAD database. This sequence change creates a premature translational stop signal (p.Gln411*) in the GABRA2 gene. While this is not anticipated to result in nonsense mediated decay, it is expected to disrupt the last 101 amino acid(s) of the GABRA2 protein.